The following is an entry in ClinVar:

ClinVar aggregate classification (germline): Likely benign (1 of 4 stars; one submission).

Allele frequency attached by ClinVar (database versions not stated): gnomAD exomes 0.00009; ExAC 0.00040; ESP Exome Variant Server 0.00046; gnomAD 0.00054; TOPMed 0.00067.
gnomAD v4.1: 221 of 1,603,598 alleles (0.014%); highest among the groups gnomAD compares: African/African-American, 0.19%; no homozygotes.

Submission:

CeGaT Center for Human Genetics Tuebingen
Classification: Likely benign. Last evaluated: 2026-03-01. Review status: criteria provided, single submitter. Criteria: CeGaT Center For Human Genetics Tuebingen Variant Classification Criteria Version 2. Collection method: clinical testing. Allele origin: germline. Affected: yes. Observed: 2 variant alleles.
Comment: TUBGCP2: BP4, BP7

NM_006659.4(TUBGCP2):c.696C>T (p.Tyr232=)

Genes: TUBGCP2 (tubulin gamma complex component 2; minus strand), LOC126861106 (P300/CBP strongly-dependent group 1 enhancer GRCh37_chr10:135106330-135107529; plus strand). Cytogenetic location: 10q26.3.
Variant type: single nucleotide variant.
Coding change: c.696C>T on transcript NM_006659.4 (MANE Select); coding-DNA position 696, C replaced by T.
Protein change: p.Tyr232=; no amino-acid change (tyrosine 232 retained).
Molecular consequence: synonymous variant. On other transcripts: non-coding transcript variant (1).
Genome position (GRCh38, 1-based): chr10:133,293,690, G>A on the plus strand (C>T on the coding strand, the complement: TUBGCP2 is on the minus strand). VCF-style: chr10-133293690-G-A. GRCh37 (hg19) VCF-style: chr10-135107194-G-A.
Other names: c.780C>T, p.Tyr260= (NM_001256617.2); c.306C>T, p.Tyr102= (NM_001256618.2).
Identifiers: ClinVar variation 2641025 (VCV002641025.24), dbSNP rs138177124, ClinGen allele CA5764386.